The following is an entry in ClinVar:

ClinVar aggregate classification (germline): Uncertain significance (1 of 4 stars; one submission).

gnomAD v4.1: 1 of 1,612,658 alleles (0.000062%); highest among the groups gnomAD compares: Non-Finnish European, 0.000085%; no homozygotes.

Submission:

Labcorp Genetics (formerly Invitae), Labcorp
Classification: Uncertain significance. Last evaluated: 2026-01-14. Review status: criteria provided, single submitter. Criteria: Invitae Variant Classification Sherloc (09022015). Collection method: clinical testing. Allele origin: germline.
Comment: This sequence change replaces proline, which is neutral and non-polar, with serine, which is neutral and polar, at codon 444 of the COL11A1 protein (p.Pro444Ser). This variant is not present in population databases (gnomAD no frequency). This variant has not been reported in the literature in individuals affected with COL11A1-related conditions. Invitae Evidence Modeling of protein sequence and biophysical properties (such as structural, functional, and spatial information, amino acid conservation, physicochemical variation, residue mobility, and thermodynamic stability) indicates that this missense variant is not expected to disrupt COL11A1 protein function with a negative predictive value of 80%. In summary, the available evidence is currently insufficient to determine the role of this variant in disease. Therefore, it has been classified as a Variant of Uncertain Significance.

NM_001854.4(COL11A1):c.1330C>T (p.Pro444Ser)

Gene: COL11A1 (collagen type XI alpha 1 chain; minus strand). Cytogenetic location: 1p21.1.
Variant type: single nucleotide variant.
Coding change: c.1330C>T on transcript NM_001854.4 (MANE Select); coding-DNA position 1330, C replaced by T.
Protein change: p.Pro444Ser; replaces proline 444 with serine.
Molecular consequence: missense variant. On other transcripts: non-coding transcript variant (1).
Genome position (GRCh38, 1-based): chr1:103,018,838, G>A on the plus strand (C>T on the coding strand, the complement: COL11A1 is on the minus strand). VCF-style: chr1-103018838-G-A. GRCh37 (hg19) VCF-style: chr1-103484394-G-A.
Other names: c.1213C>T, p.Pro405Ser (NM_001190709.2); c.1366C>T, p.Pro456Ser (NM_080629.3); c.982C>T, p.Pro328Ser (NM_080630.4); short protein forms P405S, P444S, P456S, P328S.
Identifiers: ClinVar variation 4744667 (VCV004744667.1).